The following is an entry in ClinVar:

ClinVar aggregate classification (germline): Uncertain significance (1 of 4 stars; one submission).

Conditions:
Hereditary cancer-predisposing syndrome. Also called: Hereditary Cancer Syndrome; Hereditary neoplastic syndrome; Neoplastic Syndromes, Hereditary; Tumor predisposition. Identifiers: Orphanet 140162, MedGen C0027672, MeSH D009386, MONDO:0015356.

Submission:

Ambry Genetics
Classification: Uncertain significance for Hereditary cancer-predisposing syndrome. Last evaluated: 2025-08-23. Review status: criteria provided, single submitter. Criteria: Ambry Variant Classification Scheme 2023. Collection method: clinical testing. Allele origin: germline.
Comment: The p.G164W variant (also known as c.490G>T), located in coding exon 1 of the ALK gene, results from a G to T substitution at nucleotide position 490. The glycine at codon 164 is replaced by tryptophan, an amino acid with highly dissimilar properties. This amino acid position is conserved. In addition, the in silico prediction for this alteration is inconclusive. Based on the available evidence, the clinical significance of this variant remains unclear.

NM_004304.5(ALK):c.490G>T (p.Gly164Trp)

Gene: ALK (ALK receptor tyrosine kinase; minus strand). Cytogenetic location: 2p23.1.
Variant type: single nucleotide variant.
Coding change: c.490G>T on transcript NM_004304.5 (MANE Select); coding-DNA position 490, G replaced by T.
Protein change: p.Gly164Trp; replaces glycine 164 with tryptophan.
Molecular consequence: missense variant.
Genome position (GRCh38, 1-based): chr2:29,920,170, C>A on the plus strand (G>T on the coding strand, the complement: ALK is on the minus strand). VCF-style: chr2-29920170-C-A. GRCh37 (hg19) VCF-style: chr2-30143036-C-A.
Other names: short protein forms G164W.
Identifiers: ClinVar variation 4273102 (VCV004273102.1).